The following is an entry in ClinVar:

NM_001453.3(FOXC1):c.784AGC[3] (p.Ser265_Ser266del)

Gene: FOXC1 (forkhead box C1; plus strand). Cytogenetic location: 6p25.3.
Variant type: Microsatellite.
Coding change: c.784AGC[3] on transcript NM_001453.3 (MANE Select); three copies in a row of the 3-base unit AGC starting at c.784; the reference has five copies in a row; two copies, 6 bases deleted; also written c.793_798del.
Protein change: p.Ser265_Ser266del.
Molecular consequence: inframe deletion.
Genome position (GRCh38, 1-based): chr6:1,611,238-1,611,243, AGCAGC deleted; deleting any 6 consecutive bases within chr6:1,611,228-1,611,243 gives the same sequence; the position shown is the placement nearest the transcript's 3' end. VCF-style (leftmost placement, unchanged base first): chr6-1611227-ACAGCAG-A. GRCh37 (hg19) VCF-style: chr6-1611462-ACAGCAG-A.
Other names: c.793_798del (NM_001453.3).
Identifiers: ClinVar variation 1426265 (VCV001426265.10), dbSNP rs761199025, ClinGen allele CA565356197.

ClinVar aggregate classification (germline): Uncertain significance. Review status: criteria provided, multiple submitters, no conflicts (2 of 4 stars). 2 submissions from 2 submitters: Uncertain significance (2). Last evaluated 2025-07-10.

Conditions:
Anterior segment dysgenesis 3 (ASGD3). Also called: IRIDOGONIODYSGENESIS ANOMALY, AUTOSOMAL DOMINANT; Glaucoma iridogoniodysplasia, familial. Identifiers: Orphanet 91483, MedGen C5975707, MONDO:0024456, OMIM 601631.
Axenfeld-Rieger syndrome type 3 (RIEG3). Also called: AXENFELD-RIEGER ANOMALY WITH CARDIAC DEFECTS AND/OR SENSORINEURAL HEARING LOSS. Identifiers: Orphanet 782, MedGen C2678503, MONDO:0011233, OMIM 602482.

Submissions (2):

Labcorp Genetics (formerly Invitae), Labcorp
Classification: Uncertain significance for Axenfeld-Rieger syndrome type 3. Last evaluated: 2025-07-10. Review status: criteria provided, single submitter. Criteria: Invitae Variant Classification Sherloc (09022015). Collection method: clinical testing. Allele origin: germline.
Comment: This variant, c.793_798del, results in the deletion of 2 amino acid(s) of the FOXC1 protein (p.Ser265_Ser266del), but otherwise preserves the integrity of the reading frame. This variant is present in population databases (no rsID available, gnomAD 0.01%). This variant has not been reported in the literature in individuals affected with FOXC1-related conditions. Experimental studies and prediction algorithms are not available or were not evaluated, and the functional significance of this variant is currently unknown. In summary, the available evidence is currently insufficient to determine the role of this variant in disease. Therefore, it has been classified as a Variant of Uncertain Significance.

Fulgent Genetics
Classification: Uncertain significance for Anterior segment dysgenesis 3; Axenfeld-Rieger syndrome type 3. Last evaluated: 2024-01-16. Review status: criteria provided, single submitter. Criteria: ACMG Guidelines, 2015. Collection method: clinical testing. Allele origin: germline.